The following is an entry in ClinVar:

ClinVar aggregate classification (germline): Uncertain significance. Review status: criteria provided, multiple submitters, no conflicts (2 of 4 stars). 2 submissions from 2 submitters: Uncertain significance (2). Last evaluated 2025-11-20.

Conditions:
Dyskeratosis congenita. Identifiers: Orphanet 1775, MedGen C0265965, MONDO:0015780.

Submissions (2):

Mayo Clinic Laboratories, Mayo Clinic
Classification: Uncertain significance. Last evaluated: 2025-11-20. Review status: criteria provided, single submitter. Criteria: ACMG Guidelines, 2015. Collection method: clinical testing. Allele origin: germline. Observed: 1 variant allele.
Comment: BP4_moderate, PM2_supporting

Labcorp Genetics (formerly Invitae), Labcorp
Classification: Uncertain significance for Dyskeratosis congenita. Last evaluated: 2023-08-16. Review status: criteria provided, single submitter. Criteria: Invitae Variant Classification Sherloc (09022015). Collection method: clinical testing. Allele origin: germline.
Comment: In summary, the available evidence is currently insufficient to determine the role of this variant in disease. Therefore, it has been classified as a Variant of Uncertain Significance. An algorithm developed to predict the effect of missense changes on protein structure and function (PolyPhen-2) suggests that this variant is likely to be tolerated. This variant has not been reported in the literature in individuals affected with CTC1-related conditions. This variant is not present in population databases (gnomAD no frequency). This sequence change replaces isoleucine, which is neutral and non-polar, with phenylalanine, which is neutral and non-polar, at codon 1005 of the CTC1 protein (p.Ile1005Phe).

NM_025099.6(CTC1):c.3013A>T (p.Ile1005Phe)

Gene: CTC1 (CST telomere replication complex component 1; minus strand). Cytogenetic location: 17p13.1.
Variant type: single nucleotide variant.
Coding change: c.3013A>T on transcript NM_025099.6 (MANE Select); coding-DNA position 3013, A replaced by T.
Protein change: p.Ile1005Phe; replaces isoleucine 1005 with phenylalanine.
Molecular consequence: missense variant. On other transcripts: non-coding transcript variant (1).
Genome position (GRCh38, 1-based): chr17:8,229,445, T>A on the plus strand (A>T on the coding strand, the complement: CTC1 is on the minus strand). VCF-style: chr17-8229445-T-A. GRCh37 (hg19) VCF-style: chr17-8132763-T-A.
Other names: p.Ile1005Phe; c.3013A>T, p.Ile1005Phe (NM_001411067.1); short protein forms I1005F.
Identifiers: ClinVar variation 2912544 (VCV002912544.4), dbSNP rs3826543, ClinGen allele CA397972712.